The following is an entry in ClinVar:

ClinVar aggregate classification (germline): Likely pathogenic (1 of 4 stars; one submission).

Conditions:
Mitochondrial DNA depletion syndrome 19. Identifiers: MedGen C5436514, MONDO:0033545, OMIM 618972.

gnomAD v4.1: 28 of 1,613,650 alleles (0.0017%); highest among the groups gnomAD compares: Non-Finnish European, 0.0021%; no homozygotes.

Submission:

Variantyx, Inc.
Classification: Likely pathogenic for Mitochondrial DNA depletion syndrome 19. Last evaluated: 2025-07-08. Review status: criteria provided, single submitter. Criteria: Variantyx Assertion Criteria 2022. Collection method: clinical testing. Allele origin: germline. Inheritance: Autosomal recessive inheritance. Affected: no.
Comment: This is a nonsense variant in the SLC25A10 gene (OMIM: 606794). Pathogenic variants in this gene have been associated with autosomal recessive mitochondrial DNA depletion syndrome 19 (provisional association). This variant introduces a premature termination codon in exon 7 out of 11 and is expected to result in loss of function, which is a known disease mechanism for SLC25A10 in this disorder (PMID: 29211846) (PVS1). This variant has a 0.0021% maximum allele frequency in non-founder control populations (PM2). Based on the current evidence, this variant is classified as likely pathogenic for autosomal recessive mitochondrial DNA depletion syndrome 19 (provisional association).

Literature cited by the submitters: PubMed 29211846.

NM_012140.5(SLC25A10):c.508C>T (p.Arg170Ter)

Gene: SLC25A10 (solute carrier family 25 member 10; plus strand). Cytogenetic location: 17q25.3.
Variant type: single nucleotide variant.
Coding change: c.508C>T on transcript NM_012140.5 (MANE Select); coding-DNA position 508, C replaced by T.
Protein change: p.Arg170Ter; replaces arginine 170 with a stop codon.
Molecular consequence: nonsense.
Genome position (GRCh38, 1-based): chr17:81,717,046, C>T. VCF-style: chr17-81717046-C-T. GRCh37 (hg19) VCF-style: chr17-79684076-C-T.
Other names: c.508C>T, p.Arg170Ter (NM_001270888.2, NM_001270953.2); short protein forms R170*.
Identifiers: ClinVar variation 4850724 (VCV004850724.1).